The following is an entry in ClinVar:

NM_002335.4(LRP5):c.3628G>C (p.Glu1210Gln)

Gene: LRP5 (LDL receptor related protein 5; plus strand). Cytogenetic location: 11q13.2.
Variant type: single nucleotide variant.
Coding change: c.3628G>C on transcript NM_002335.4 (MANE Select); coding-DNA position 3628, G replaced by C.
Protein change: p.Glu1210Gln; replaces glutamic acid 1210 with glutamine.
Molecular consequence: missense variant.
Genome position (GRCh38, 1-based): chr11:68,426,178, G>C. VCF-style: chr11-68426178-G-C. GRCh37 (hg19) VCF-style: chr11-68193646-G-C.
Other names: c.1885G>C, p.Glu629Gln (NM_001291902.2); short protein forms E629Q, E1210Q.
Identifiers: ClinVar variation 2863470 (VCV002863470.3), dbSNP rs924203794, ClinGen allele CA381622083.

ClinVar aggregate classification (germline): Uncertain significance (1 of 4 stars; one submission).

Submission:

Labcorp Genetics (formerly Invitae), Labcorp
Classification: Uncertain significance. Last evaluated: 2023-06-04. Review status: criteria provided, single submitter. Criteria: Invitae Variant Classification Sherloc (09022015). Collection method: clinical testing. Allele origin: germline.
Comment: This sequence change replaces glutamic acid, which is acidic and polar, with glutamine, which is neutral and polar, at codon 1210 of the LRP5 protein (p.Glu1210Gln). This variant is not present in population databases (gnomAD no frequency). This variant has not been reported in the literature in individuals affected with LRP5-related conditions. Advanced modeling of protein sequence and biophysical properties (such as structural, functional, and spatial information, amino acid conservation, physicochemical variation, residue mobility, and thermodynamic stability) performed at Invitae indicates that this missense variant is not expected to disrupt LRP5 protein function. In summary, the available evidence is currently insufficient to determine the role of this variant in disease. Therefore, it has been classified as a Variant of Uncertain Significance.